The following is an entry in ClinVar:

ClinVar aggregate classification (germline): Uncertain significance. Review status: criteria provided, multiple submitters, no conflicts (2 of 4 stars). 5 submissions from 5 submitters: Uncertain significance (5). Last evaluated 2025-12-16.

Conditions:
Polyglucosan body myopathy type 1 (PGBM1). Also called: Polyglucosan body myopathy 1 with or without immunodeficiency; POLYGLUCOSAN BODY MYOPATHY WITHOUT IMMUNODEFICIENCY. Identifiers: Orphanet 329173, Orphanet 397937, MedGen C4014605, MONDO:0014389, OMIM 615895.

Allele frequency attached by ClinVar (database versions not stated): ESP Exome Variant Server 0.00015; gnomAD exomes 0.00018; ExAC 0.00013; gnomAD 0.00013; TOPMed 0.00015.
gnomAD v4.1: 410 of 1,612,410 alleles (0.025%); highest among the groups gnomAD compares: Middle Eastern, 0.051%; 1 homozygote.

Submissions (5):

Mayo Clinic Laboratories, Mayo Clinic
Classification: Uncertain significance. Last evaluated: 2025-12-16. Review status: criteria provided, single submitter. Criteria: ACMG Guidelines, 2015. Collection method: clinical testing. Allele origin: germline. Observed: 1 variant allele.

Revvity Omics, Revvity
Classification: Uncertain significance for Polyglucosan body myopathy type 1. Last evaluated: 2024-07-01. Review status: criteria provided, single submitter. Criteria: ACMG Guidelines, 2015. Collection method: clinical testing. Allele origin: germline.

Labcorp Genetics (formerly Invitae), Labcorp
Classification: Uncertain significance for Polyglucosan body myopathy type 1. Last evaluated: 2022-08-06. Review status: criteria provided, single submitter. Criteria: Invitae Variant Classification Sherloc (09022015). Collection method: clinical testing. Allele origin: germline.
Comment: This sequence change replaces arginine, which is basic and polar, with cysteine, which is neutral and slightly polar, at codon 464 of the RBCK1 protein (p.Arg464Cys). This variant is present in population databases (rs145423115, gnomAD 0.04%). This variant has not been reported in the literature in individuals affected with RBCK1-related conditions. ClinVar contains an entry for this variant (Variation ID: 574337). Algorithms developed to predict the effect of missense changes on protein structure and function are either unavailable or do not agree on the potential impact of this missense change (SIFT: "Not Available"; PolyPhen-2: "Benign"; Align-GVGD: "Not Available"). In summary, the available evidence is currently insufficient to determine the role of this variant in disease. Therefore, it has been classified as a Variant of Uncertain Significance.

Department of Pathology and Laboratory Medicine, Sinai Health System
Classification: Uncertain significance for Polyglucosan body myopathy type 1. Last evaluated: 2021-10-05. Review status: criteria provided, single submitter. Criteria: ACMG Guidelines, 2015. Collection method: research. Allele origin: germline.

GeneDx
Classification: Uncertain significance. Last evaluated: 2019-03-27. Review status: criteria provided, single submitter. Criteria: GeneDx Variant Classification Process June 2021. Collection method: clinical testing. Allele origin: germline. Affected: yes.
Comment: Has not been previously published as pathogenic or benign to our knowledge; Observed in 50/274566 (0.018%) alleles in large population cohorts (Lek et al., 2016); In silico analysis, which includes protein predictors and evolutionary conservation, supports a deleterious effect

NM_031229.4(RBCK1):c.1390C>T (p.Arg464Cys)

Gene: RBCK1 (RANBP2-type and C3HC4-type zinc finger containing 1; plus strand). Cytogenetic location: 20p13.
Variant type: single nucleotide variant.
Coding change: c.1390C>T on transcript NM_031229.4 (MANE Select); coding-DNA position 1390, C replaced by T.
Protein change: p.Arg464Cys; replaces arginine 464 with cysteine.
Molecular consequence: missense variant. On other transcripts: non-coding transcript variant (1).
Genome position (GRCh38, 1-based): chr20:429,032, C>T. VCF-style: chr20-429032-C-T. GRCh37 (hg19) VCF-style: chr20-409676-C-T.
Other names: p.Arg464Cys; c.880C>T, p.Arg294Cys (NM_001323956.2, NM_001323958.2); c.1264C>T, p.Arg422Cys (NM_006462.6); short protein forms R464C, R294C, R422C.
Identifiers: ClinVar variation 574337 (VCV000574337.12), dbSNP rs145423115, ClinGen allele CA9723362.
Genomic context (GRCh38, chr20:429,032, plus strand): 5'-GCCATGCGCTGCCCCCAGTGCCAGATCGTGGTACAGAAGAAGGACGGCTGCGACTGGATC[C>T]GCTGCACCGTCTGCCACACCGAGATCTGCTGGGTCACCAAGGGCCCACGCTGGGGCCCTG-3'
Protein context (NP_112506.2, residues 454-474): VQKKDGCDWI[Arg464Cys]CTVCHTEICW